The following is an entry in ClinVar:

ClinVar aggregate classification (germline): Uncertain significance (1 of 4 stars; one submission).

Conditions:
Glycogen storage disease type III (GSD3). Also called: Cori disease; FORBES DISEASE. Identifiers: Orphanet 366, MedGen C0017922, MONDO:0009291, OMIM 232400.

Allele frequency attached by ClinVar (database versions not stated): TOPMed below 0.00001; gnomAD exomes 0.00001.
gnomAD v4.1: 3 of 1,613,584 alleles (0.00019%); highest among the groups gnomAD compares: East Asian, 0.0045%; no homozygotes.

Submission:

Labcorp Genetics (formerly Invitae), Labcorp
Classification: Uncertain significance for Glycogen storage disease type III. Last evaluated: 2021-08-27. Review status: criteria provided, single submitter. Criteria: Invitae Variant Classification Sherloc (09022015). Collection method: clinical testing. Allele origin: germline.
Comment: This sequence change replaces tyrosine with cysteine at codon 80 of the AGL protein (p.Tyr80Cys). The tyrosine residue is moderately conserved and there is a large physicochemical difference between tyrosine and cysteine. This variant is not present in population databases (ExAC no frequency). This variant has not been reported in the literature in individuals affected with AGL-related conditions. Algorithms developed to predict the effect of missense changes on protein structure and function (SIFT, PolyPhen-2, Align-GVGD) all suggest that this variant is likely to be tolerated. In summary, the available evidence is currently insufficient to determine the role of this variant in disease. Therefore, it has been classified as a Variant of Uncertain Significance.

NM_000642.3(AGL):c.239A>G (p.Tyr80Cys)

Gene: AGL (amylo-alpha-1,6-glucosidase and 4-alpha-glucanotransferase; plus strand). Cytogenetic location: 1p21.2.
Variant type: single nucleotide variant.
Coding change: c.239A>G on transcript NM_000642.3 (MANE Select); coding-DNA position 239, A replaced by G.
Protein change: p.Tyr80Cys; replaces tyrosine 80 with cysteine.
Molecular consequence: missense variant.
Genome position (GRCh38, 1-based): chr1:99,861,659, A>G. VCF-style: chr1-99861659-A-G. GRCh37 (hg19) VCF-style: chr1-100327215-A-G.
Other names: c.239A>G, p.Tyr80Cys (NM_000028.3, NM_000643.3, NM_000644.3 and 5 more transcripts); c.191A>G, p.Tyr64Cys (NM_000646.3); short protein forms Y80C, Y64C.
Identifiers: ClinVar variation 578708 (VCV000578708.8), dbSNP rs1284127927, ClinGen allele CA341329706.